The following is an entry in ClinVar:

ClinVar aggregate classification (germline): Pathogenic. Review status: criteria provided, multiple submitters, no conflicts (2 of 4 stars). 3 submissions from 3 submitters: Pathogenic (3). Last evaluated 2025-07-17.

Conditions:
Mitochondrial complex II deficiency, nuclear type 1. Also called: SUCCINATE CoQ REDUCTASE DEFICIENCY. Identifiers: Orphanet 3208, MedGen C5700310, MONDO:0100294, OMIM 252011.
Pheochromocytoma/paraganglioma syndrome 5. Also called: Paragangliomas 5; SDHA-Related Hereditary Paraganglioma-Pheochromocytoma Syndrome. Identifiers: Orphanet 29072, MedGen C3279992, MONDO:0013602, OMIM 614165.
Hereditary cancer-predisposing syndrome. Also called: Tumor predisposition; Hereditary Cancer Syndrome; Neoplastic Syndromes, Hereditary; Hereditary neoplastic syndrome. Identifiers: Orphanet 140162, MedGen C0027672, MeSH D009386, MONDO:0015356.
Gastrointestinal stromal tumor. Also called: Gastrointestinal stroma tumor; Gastrointestinal stromal tumor, somatic. Identifiers: Orphanet 44890, MedGen C0238198, MeSH D046152, MONDO:0011719, OMIM 606764, HP:0100723.
Hereditary pheochromocytoma and paraganglioma. Also called: Hereditary Paraganglioma-Pheochromocytoma Syndromes; Hereditary paragangliomas and pheochromocytomas; Hereditary pheochromocytoma-paraganglioma. Identifiers: Orphanet 29072, MedGen C4274332, MONDO:0017366.

Allele frequency attached by ClinVar (database versions not stated): TOPMed 0.00002.

Submissions (3):

Labcorp Genetics (formerly Invitae), Labcorp
Classification: Pathogenic for Pheochromocytoma/paraganglioma syndrome 5; Mitochondrial complex II deficiency, nuclear type 1. Last evaluated: 2025-07-17. Review status: criteria provided, single submitter. Criteria: Invitae Variant Classification Sherloc (09022015). Collection method: clinical testing. Allele origin: germline.
Comment: This sequence change creates a premature translational stop signal (p.Gln104*) in the SDHA gene. It is expected to result in an absent or disrupted protein product. Loss-of-function variants in SDHA are known to be pathogenic (PMID: 22974104, 24781757). This variant is not present in population databases (gnomAD no frequency). This variant has not been reported in the literature in individuals affected with SDHA-related conditions. ClinVar contains an entry for this variant (Variation ID: 822909). For these reasons, this variant has been classified as Pathogenic.

Myriad Genetics, Inc.
Classification: Pathogenic for Pheochromocytoma/paraganglioma syndrome 5. Last evaluated: 2024-02-07. Review status: criteria provided, single submitter. Criteria: Myriad Autosomal Dominant, Autosomal Recessive and X-Linked Classification Criteria (2023). Collection method: clinical testing. Allele origin: unknown.
Comment: This variant is considered pathogenic. This variant creates a termination codon and is predicted to result in premature protein truncation.

Ambry Genetics
Classification: Pathogenic for Hereditary cancer-predisposing syndrome. Last evaluated: 2019-11-26. Review status: criteria provided, single submitter. Criteria: Ambry Variant Classification Scheme 2023. Collection method: clinical testing. Allele origin: germline.
Comment: The p.Q104* pathogenic mutation (also known as c.310C>T), located in coding exon 3 of the SDHA gene, results from a C to T substitution at nucleotide position 310. This changes the amino acid from a glutamine to a stop codon within coding exon 3. This alteration is expected to result in loss of function by premature protein truncation or nonsense-mediated mRNA decay. As such, this alteration is interpreted as a disease-causing mutation.

Literature cited by the submitters: PubMed 22974104 (cited by Labcorp Genetics (formerly Invitae), Labcorp); PubMed 24781757 (cited by Labcorp Genetics (formerly Invitae), Labcorp).

NM_004168.4(SDHA):c.310C>T (p.Gln104Ter)

Gene: SDHA (succinate dehydrogenase complex flavoprotein subunit A; plus strand). Cytogenetic location: 5p15.33.
Variant type: single nucleotide variant.
Coding change: c.310C>T on transcript NM_004168.4 (MANE Select); coding-DNA position 310, C replaced by T.
Protein change: p.Gln104Ter; replaces glutamine 104 with a stop codon.
Molecular consequence: nonsense.
Genome position (GRCh38, 1-based): chr5:224,519, C>T. VCF-style: chr5-224519-C-T. GRCh37 (hg19) VCF-style: chr5-224634-C-T.
Other names: c.310C>T (NM_004168.3); c.310C>T, p.Gln104Ter (NM_001294332.2, NM_001330758.2); short protein forms Q104*.
Identifiers: ClinVar variation 822909 (VCV000822909.12), dbSNP rs1423978863, ClinGen allele CA359008694.
Genomic context (GRCh38, chr5:224,519, plus strand): 5'-GGGTTTAATACAGCATGTGTTACCAAGCTGTTTCCTACCAGGTCACACACTGTTGCAGCA[C>T]AGGTAAGAGAAAGGTGCCCCACTGTGCTCCCACTCCGTGCAGGTCCCGCGCAGCCTCGCA-3'